The following is an entry in ClinVar:

ClinVar aggregate classification (germline): Likely benign (0 of 4 stars; one submission).

Conditions:
SEMA4D-related disorder. Also called: SEMA4D-related condition.

Allele frequency attached by ClinVar (database versions not stated): 1000 Genomes Project 0.00020; 1000 Genomes Project 30x 0.00031.
gnomAD v4.1: 2 of 1,605,434 alleles (0.00012%); highest among the groups gnomAD compares: East Asian, 0.0045%; no homozygotes.

Submission:

PreventionGenetics, part of Exact Sciences
Classification: Likely benign for SEMA4D-related condition. Last evaluated: 2019-07-15. Review status: no assertion criteria provided. Collection method: clinical testing. Allele origin: germline.
Comment: This variant is classified as likely benign based on ACMG/AMP sequence variant interpretation guidelines (Richards et al. 2015 PMID: 25741868, with internal and published modifications).

NM_001371194.2(SEMA4D):c.951-4C>G

Gene: SEMA4D (semaphorin 4D; minus strand). Cytogenetic location: 9q22.2.
Variant type: single nucleotide variant.
Coding change: c.951-4C>G on transcript NM_001371194.2 (MANE Select); 4 bases into the intron before coding-DNA position 951, C replaced by G.
Molecular consequence: intron variant.
Genome position (GRCh38, 1-based): chr9:89,388,796, G>C on the plus strand (C>G on the coding strand, the complement: SEMA4D is on the minus strand). VCF-style: chr9-89388796-G-C. GRCh37 (hg19) VCF-style: chr9-92003711-G-C.
Other names: c.951-4C>G (NM_001371198.1, NM_001371201.1, NM_001371202.1 and 7 more transcripts).
Identifiers: ClinVar variation 3049782 (VCV003049782.2), dbSNP rs557575285, ClinGen allele CA5118519.